The following is an entry in ClinVar:

ClinVar aggregate classification (germline): Uncertain significance (1 of 4 stars; one submission).

Conditions:
Holoprosencephaly 3 (HPE3). Identifiers: Orphanet 2162, MedGen C1840529, MONDO:0007733, OMIM 142945.

Allele frequency attached by ClinVar (database versions not stated): TOPMed below 0.00001; gnomAD 0.00005; gnomAD exomes 0.00005; 1000 Genomes Project 30x 0.00016; 1000 Genomes Project 0.00040.
gnomAD v4.1: 40 of 862,218 alleles (0.0046%); highest among the groups gnomAD compares: South Asian, 0.061%; no homozygotes.

Submission:

Labcorp Genetics (formerly Invitae), Labcorp
Classification: Uncertain significance for Holoprosencephaly 3. Last evaluated: 2023-05-05. Review status: criteria provided, single submitter. Criteria: Invitae Variant Classification Sherloc (09022015). Collection method: clinical testing. Allele origin: germline.
Comment: This variant occurs in a non-coding region of the SHH gene. It does not change the encoded amino acid sequence of the SHH protein. This variant is present in population databases (rs537383359, gnomAD 0.007%). This variant has not been reported in the literature in individuals affected with SHH-related conditions. In summary, the available evidence is currently insufficient to determine the role of this variant in disease. Therefore, it has been classified as a Variant of Uncertain Significance. Experimental studies and prediction algorithms are not available or were not evaluated, and the effect of this variant on mRNA splicing is currently unknown.

NC_000007.14:g.156779594T>C

Genes: LMBR1 (limb development membrane protein 1; minus strand), SHH (sonic hedgehog signaling molecule; minus strand). Cytogenetic location: 7q36.3.
Variant type: single nucleotide variant.
Molecular consequence: intron variant (on NM_022458.4).
Genome position: GRCh38 VCF-style: chr7-156779594-T-C. GRCh37 (hg19) VCF-style: chr7-156572288-T-C.
Other names: c.361-15799A>G (NM_001363412.2); c.145-15799A>G (NM_001350954.2); c.424-15799A>G (NM_001363410.2, NM_022458.4, NM_001363409.2 and 1 more transcripts); c.-34+61A>G (NM_001350958.2, NM_001350956.2, NM_001350955.2 and 1 more transcripts); c.55-15799A>G (NM_001350957.2, NM_001363411.2).
Identifiers: ClinVar variation 2878179 (VCV002878179.3), dbSNP rs537383359, ClinGen allele CA169822147.